The following is an entry in ClinVar:

NM_001167902.2(PGPEP1L):c.-136C>T

Gene: PGPEP1L (pyroglutamyl-peptidase I like; minus strand). Cytogenetic location: 15q26.3.
Variant type: single nucleotide variant.
Coding change: c.-136C>T on transcript NM_001167902.2 (MANE Select); 136 bases upstream of the start codon, C replaced by T.
Molecular consequence: 5 prime UTR variant. On other transcripts: synonymous variant (1).
Genome position (GRCh38, 1-based): chr15:98,971,153, G>A on the plus strand (C>T on the coding strand, the complement: PGPEP1L is on the minus strand). VCF-style: chr15-98971153-G-A. GRCh37 (hg19) VCF-style: chr15-99514382-G-A.
Other names: c.27C>T, p.Leu9= (NM_001102612.2).
Identifiers: ClinVar variation 3905701 (VCV003905701.10).

ClinVar aggregate classification (germline): Likely benign (1 of 4 stars; one submission).

gnomAD v4.1: 2 of 1,534,470 alleles (0.00013%); highest among the groups gnomAD compares: Non-Finnish European, 0.000089%; no homozygotes.

Submission:

CeGaT Center for Human Genetics Tuebingen
Classification: Likely benign. Last evaluated: 2025-05-01. Review status: criteria provided, single submitter. Criteria: CeGaT Center For Human Genetics Tuebingen Variant Classification Criteria Version 2. Collection method: clinical testing. Allele origin: germline. Affected: yes. Observed: 1 variant allele.
Comment: PGPEP1L: BP4, BP7